The following is an entry in ClinVar:

ClinVar aggregate classification (germline): Likely benign. Review status: criteria provided, single submitter (1 of 4 stars). 2 submissions from 2 submitters: Likely benign (1). 1 of the submissions does not count toward it. Last evaluated 2021-11-20.

Conditions:
MYPN-related disorder. Also called: MYPN-related condition.
Dilated cardiomyopathy 1KK (CMD1KK). Identifiers: Orphanet 154, Orphanet 75249, MedGen C3714995, MONDO:0014100, OMIM 615248.

Submissions (2):

Labcorp Genetics (formerly Invitae), Labcorp
Classification: Likely benign for Dilated cardiomyopathy 1KK. Last evaluated: 2021-11-20. Review status: criteria provided, single submitter. Criteria: Invitae Variant Classification Sherloc (09022015). Collection method: clinical testing. Allele origin: germline.

PreventionGenetics, part of Exact Sciences
Classification: Likely benign for MYPN-related condition. Last evaluated: 2024-07-16. Review status: no assertion criteria provided. Collection method: clinical testing. Allele origin: germline. Not counted in ClinVar's aggregate classification.
Comment: This variant is classified as likely benign based on ACMG/AMP sequence variant interpretation guidelines (Richards et al. 2015 PMID: 25741868, with internal and published modifications).

NM_032578.4(MYPN):c.981C>G (p.Thr327=)

Gene: MYPN (myopalladin; plus strand). Cytogenetic location: 10q21.3.
Variant type: single nucleotide variant.
Coding change: c.981C>G on transcript NM_032578.4 (MANE Select); coding-DNA position 981, C replaced by G.
Protein change: p.Thr327=; no amino-acid change (threonine 327 retained).
Molecular consequence: synonymous variant. On other transcripts: non-coding transcript variant (2).
Genome position (GRCh38, 1-based): chr10:68,143,018, C>G. VCF-style: chr10-68143018-C-G. GRCh37 (hg19) VCF-style: chr10-69902775-C-G.
Other names: c.981C>G (NM_032578.3); c.981C>G, p.Thr327= (NM_001256267.2); c.99C>G, p.Thr33= (NM_001256268.2).
Identifiers: ClinVar variation 1593732 (VCV001593732.9), dbSNP rs760798332, ClinGen allele CA469796152.